The following is an entry in ClinVar:

ClinVar aggregate classification (germline): Likely benign. Review status: criteria provided, multiple submitters, no conflicts (2 of 4 stars). 2 submissions from 2 submitters: Likely benign (2). Last evaluated 2025-05-11.

Conditions:
Benign neonatal seizures. Also called: Benign familial neonatal epilepsy; Convulsions benign familial neonatal dominant form; Autosomal dominant form of benign neonatal seizures; Benign familial neonatal seizures; Benign neonatal familial convulsions. Identifiers: Orphanet 1949, MedGen C0220669, MONDO:0016027.

Allele frequency attached by ClinVar (database versions not stated): gnomAD exomes below 0.00001 and 0.00001; gnomAD 0.00001; TOPMed 0.00001; ExAC 0.00002.
gnomAD v4.1: 8 of 1,614,094 alleles (0.0005%); highest among the groups gnomAD compares: Admixed American, 0.0067%; no homozygotes.

Submissions (2):

Labcorp Genetics (formerly Invitae), Labcorp
Classification: Likely benign for Benign neonatal seizures. Last evaluated: 2025-05-11. Review status: criteria provided, single submitter. Criteria: Invitae Variant Classification Sherloc (09022015). Collection method: clinical testing. Allele origin: germline.

GeneDx
Classification: Likely benign. Last evaluated: 2017-03-22. Review status: criteria provided, single submitter. Criteria: GeneDx Variant Classification (06012015). Collection method: clinical testing. Allele origin: germline. Affected: yes.
Comment: This variant is considered likely benign or benign based on one or more of the following criteria: it is a conservative change, it occurs at a poorly conserved position in the protein, it is predicted to be benign by multiple in silico algorithms, and/or has population frequency not consistent with disease.

NM_004519.4(KCNQ3):c.2451G>T (p.Val817=)

Gene: KCNQ3 (potassium voltage-gated channel subfamily Q member 3; minus strand). Cytogenetic location: 8q24.22.
Variant type: single nucleotide variant.
Coding change: c.2451G>T on transcript NM_004519.4 (MANE Select); coding-DNA position 2451, G replaced by T.
Protein change: p.Val817=; no amino-acid change (valine 817 retained).
Molecular consequence: synonymous variant.
Genome position (GRCh38, 1-based): chr8:132,129,430, C>A on the plus strand (G>T on the coding strand, the complement: KCNQ3 is on the minus strand). VCF-style: chr8-132129430-C-A. GRCh37 (hg19) VCF-style: chr8-133141677-C-A.
Other names: c.2091G>T, p.Val697= (NM_001204824.2).
Identifiers: ClinVar variation 508356 (VCV000508356.5), dbSNP rs754874948, ClinGen allele CA4880441.